The following is an entry in ClinVar:

NM_006662.3(SRCAP):c.5966C>G (p.Ser1989Cys)

Gene: SRCAP (Snf2 related CREBBP activator protein; plus strand). Cytogenetic location: 16p11.2.
Variant type: single nucleotide variant.
Coding change: c.5966C>G on transcript NM_006662.3 (MANE Select); coding-DNA position 5966, C replaced by G.
Protein change: p.Ser1989Cys; replaces serine 1989 with cysteine.
Molecular consequence: missense variant.
Genome position (GRCh38, 1-based): chr16:30,729,411, C>G. VCF-style: chr16-30729411-C-G. GRCh37 (hg19) VCF-style: chr16-30740732-C-G.
Other names: short protein forms S1989C.
Identifiers: ClinVar variation 3366164 (VCV003366164.2).

ClinVar aggregate classification (germline): Uncertain significance (1 of 4 stars; one submission).

gnomAD v4.1: 1 of 1,614,210 alleles (0.000062%); highest among the groups gnomAD compares: Non-Finnish European, 0.000085%; no homozygotes.

Submission:

GeneDx
Classification: Uncertain significance. Last evaluated: 2025-10-02. Review status: criteria provided, single submitter. Criteria: GeneDx Variant Classification Process June 2021. Collection method: clinical testing. Allele origin: germline.
Comment: Not observed at significant frequency in large population cohorts (gnomAD); In silico analysis supports that this missense variant has a deleterious effect on protein structure/function; Has not been previously published as pathogenic or benign to our knowledge